The following is an entry in ClinVar:

NM_000059.4(BRCA2):c.4211C>T (p.Ser1404Leu)

Gene: BRCA2 (BRCA2 DNA repair associated; plus strand). Cytogenetic location: 13q13.1.
Variant type: single nucleotide variant.
Coding change: c.4211C>T on transcript NM_000059.4 (MANE Select); coding-DNA position 4211, C replaced by T.
Protein change: p.Ser1404Leu; replaces serine 1404 with leucine.
Molecular consequence: missense variant.
Genome position (GRCh38, 1-based): chr13:32,338,566, C>T. VCF-style: chr13-32338566-C-T. GRCh37 (hg19) VCF-style: chr13-32912703-C-T.
Other names: p.S1404L:TCA>TTA; short protein forms S1404L.
Identifiers: ClinVar variation 182208 (VCV000182208.28), dbSNP rs41293489, ClinGen allele CA019726.

ClinVar aggregate classification (germline): Conflicting classifications of pathogenicity. Review status: criteria provided, conflicting classifications (1 of 4 stars). 9 submissions from 9 submitters: Uncertain significance (4); Likely benign (4). 1 of the submissions does not count toward it. Last evaluated 2025-12-29.

Conditions:
Hereditary cancer-predisposing syndrome. Also called: Tumor predisposition; Hereditary Cancer Syndrome; Hereditary neoplastic syndrome; Neoplastic Syndromes, Hereditary. Identifiers: Orphanet 140162, MedGen C0027672, MeSH D009386, MONDO:0015356.
Hereditary breast ovarian cancer syndrome. Also called: Breast and ovarian cancer; Hereditary breast and ovarian cancer syndrome; Hereditary breast and ovarian cancer; BRCA1- and BRCA2-Associated Hereditary Breast and Ovarian Cancer; Hereditary breast and ovarian cancer syndrome (HBOC); Hereditary breast and/or ovarian cancer syndrome. Identifiers: Orphanet 145, MedGen C0677776, MeSH D061325, MONDO:0003582. Disease mechanism: loss of function.
Breast-ovarian cancer, familial, susceptibility to, 2 (BROVCA2). Also called: BRCA2 Hereditary Breast and Ovarian Cancer. Identifiers: Orphanet 145, MedGen C2675520, MONDO:0012933, OMIM 612555. Disease mechanism: loss of function.
Familial cancer of breast. Also called: BREAST CANCER, FAMILIAL; hereditary breast carcinoma; Hereditary breast cancer. Identifiers: Orphanet 227535, MedGen C0346153, MONDO:0016419, OMIM 114480. Disease mechanism: loss of function.

Allele frequency attached by ClinVar (database versions not stated): TOPMed below 0.00001; gnomAD 0.00001; gnomAD exomes 0.00001; ExAC 0.00002.
gnomAD v4.1: 6 of 1,595,604 alleles (0.00038%); highest among the groups gnomAD compares: Non-Finnish European, 0.00051%; no homozygotes.

Submissions (9):

Center for Genomic Medicine, Rigshospitalet, Copenhagen University Hospital
Classification: Likely benign. Last evaluated: 2025-12-29. Review status: criteria provided, single submitter. Criteria: ACMG Guidelines, 2015. Collection method: clinical testing. Allele origin: germline.
Comment: Classification criteria: BP1_Strong

Labcorp Genetics (formerly Invitae), Labcorp
Classification: Uncertain significance for Hereditary breast ovarian cancer syndrome. Last evaluated: 2025-11-03. Review status: criteria provided, single submitter. Criteria: Invitae Variant Classification Sherloc (09022015). Collection method: clinical testing. Allele origin: germline.
Comment: This sequence change replaces serine, which is neutral and polar, with leucine, which is neutral and non-polar, at codon 1404 of the BRCA2 protein (p.Ser1404Leu). This variant is present in population databases (rs41293489, gnomAD 0.004%). This missense change has been observed in individual(s) with ovarian cancer (PMID: 24504028). ClinVar contains an entry for this variant (Variation ID: 182208). Invitae Evidence Modeling of protein sequence and biophysical properties (such as structural, functional, and spatial information, amino acid conservation, physicochemical variation, residue mobility, and thermodynamic stability) indicates that this missense variant is not expected to disrupt BRCA2 protein function with a negative predictive value of 95%. In summary, the available evidence is currently insufficient to determine the role of this variant in disease. Therefore, it has been classified as a Variant of Uncertain Significance.

Department of Clinical Genetics, Copenhagen University Hospital, Rigshospitalet
Classification: Likely benign for Familial cancer of breast. Last evaluated: 2025-10-08. Review status: criteria provided, single submitter. Criteria: ACMG Guidelines, 2015. Collection method: clinical testing. Allele origin: germline.
Comment: The following ACMG criteria has been used: BP1_Strong

All of Us Research Program, National Institutes of Health
Classification: Uncertain significance for Breast-ovarian cancer, familial, susceptibility to, 2. Last evaluated: 2023-08-15. Review status: criteria provided, single submitter. Criteria: ACMG Guidelines, 2015. Collection method: clinical testing. Allele origin: germline. Inheritance: Autosomal dominant inheritance. Observed: 1 variant allele, 1 heterozygote.
Comment: This missense variant replaces serine with leucine at codon 1404 of the BRCA2 protein. Computational prediction suggests that this variant may not impact protein structure and function (internally defined REVEL score threshold <= 0.5, PMID: 27666373). To our knowledge, functional studies have not been reported for this variant. This variant has been reported in an individual affected with ovarian cancer (PMID: 24504028) and in an individual affected with breast cancer (PMID: 33471991). This variant has been identified in 5/267258 chromosomes in the general population by the Genome Aggregation Database (gnomAD). The available evidence is insufficient to determine the role of this variant in disease conclusively. Therefore, this variant is classified as a Variant of Uncertain Significance.

This study involves interpretation of variants in research participants for the purpose of population health screening. Participant phenotype was not available at the time of variant classification. Additional details can be found in publication PMID: 35346344, PMCID: PMC8962531

University of Washington Department of Laboratory Medicine, University of Washington
Classification: Likely benign for Hereditary cancer-predisposing syndrome. Last evaluated: 2023-03-23. Review status: criteria provided, single submitter. Criteria: Dines et al. (Genet Med. 2020). Collection method: curation. Allele origin: germline.
Comment: Missense variant in a coldspot region where missense variants are very unlikely to be pathogenic (PMID:31911673).

BRCA2 exon 11 coldspot. Reclassification based on statistical prior probability.

GeneDx
Classification: Uncertain significance. Last evaluated: 2022-05-10. Review status: criteria provided, single submitter. Criteria: GeneDx Variant Classification Process June 2021. Collection method: clinical testing. Allele origin: germline. Affected: yes.
Comment: Observed in individuals with ovarian cancer (Cunningham 2014); In silico analysis supports that this missense variant has a deleterious effect on protein structure/function; Not observed at significant frequency in large population cohorts (gnomAD); Also known as 4439C>T; This variant is associated with the following publications: (PMID: 24504028)

Ambry Genetics
Classification: Likely benign for Hereditary cancer-predisposing syndrome. Last evaluated: 2021-04-26. Review status: criteria provided, single submitter. Criteria: Ambry Variant Classification Scheme 2023. Collection method: clinical testing. Allele origin: germline.

ARUP Laboratories, Molecular Genetics and Genomics, ARUP Laboratories
Classification: Uncertain significance. Last evaluated: 2019-12-06. Review status: criteria provided, single submitter. Criteria: ARUP Molecular Germline Variant Investigation Process. Collection method: clinical testing. Allele origin: germline.
Comment: The BRCA2 c.4211C>T; p.Ser1404Leu variant (rs41293489), is reported in the literature in a cohort of individuals affected with ovarian cancer, although its clinical significance in this study was uncertain (Cunningham 2014). This variant is found on five chromosomes (5/267258 alleles) in the Genome Aggregation Database. The serine at codon 1404 is moderately conserved, but computational analyses (SIFT: damaging, PolyPhen-2: benign) predict conflicting effects of this variant on protein structure/function. However, due to limited information, the clinical significance of the p.Ser1404Leu variant is uncertain at this time. References: Cunningham JM et al. Clinical characteristics of ovarian cancer classified by BRCA1, BRCA2, and RAD51C status. Sci Rep. 2014 Feb 7;4:4026.

BRCAlab, Lund University
Classification: Uncertain significance for Breast-ovarian cancer, familial, susceptibility to, 2. Last evaluated: 2020-03-02. Review status: no assertion criteria provided. Collection method: clinical testing. Allele origin: germline. Affected: yes. Not counted in ClinVar's aggregate classification.

Literature cited by the submitters: PubMed 24504028 (cited by Labcorp Genetics (formerly Invitae), Labcorp and All of Us Research Program, National Institutes of Health); PubMed 33471991 (cited by All of Us Research Program, National Institutes of Health).